The following is an entry in ClinVar:

NM_053025.4(MYLK):c.4955A>G (p.Tyr1652Cys)

Gene: MYLK (myosin light chain kinase; minus strand). Cytogenetic location: 3q21.1.
Variant type: single nucleotide variant.
Coding change: c.4955A>G on transcript NM_053025.4 (MANE Select); coding-DNA position 4955, A replaced by G.
Protein change: p.Tyr1652Cys; replaces tyrosine 1652 with cysteine.
Molecular consequence: missense variant.
Genome position (GRCh38, 1-based): chr3:123,638,077, T>C on the plus strand (A>G on the coding strand, the complement: MYLK is on the minus strand). VCF-style: chr3-123638077-T-C. GRCh37 (hg19) VCF-style: chr3-123356924-T-C.
Other names: c.4427A>G, p.Tyr1476Cys (NM_001321309.2); c.4748A>G, p.Tyr1583Cys (NM_053026.4, NM_053028.4); c.4955A>G, p.Tyr1652Cys (NM_053027.4); short protein forms Y1652C, Y1476C, Y1583C.
Identifiers: ClinVar variation 1347643 (VCV001347643.8), dbSNP rs1479057382, ClinGen allele CA354225569.

ClinVar aggregate classification (germline): Uncertain significance (1 of 4 stars; one submission).

Conditions:
Aortic aneurysm, familial thoracic 7 (AAT7). Also called: AORTIC DISSECTION, FAMILIAL, WITH OR WITHOUT AORTIC ANEURYSM. Identifiers: MedGen C3151077, MONDO:0013418, OMIM 613780.

Allele frequency attached by ClinVar (database versions not stated): gnomAD exomes below 0.00001 and 0.00001.
gnomAD v4.1: 17 of 1,614,048 alleles (0.0011%); highest among the groups gnomAD compares: Non-Finnish European, 0.0014%; no homozygotes.

Submission:

Labcorp Genetics (formerly Invitae), Labcorp
Classification: Uncertain significance for Aortic aneurysm, familial thoracic 7. Last evaluated: 2024-12-30. Review status: criteria provided, single submitter. Criteria: Invitae Variant Classification Sherloc (09022015). Collection method: clinical testing. Allele origin: germline.
Comment: This sequence change replaces tyrosine, which is neutral and polar, with cysteine, which is neutral and slightly polar, at codon 1652 of the MYLK protein (p.Tyr1652Cys). This variant is present in population databases (no rsID available, gnomAD 0.0009%). This variant has not been reported in the literature in individuals affected with MYLK-related conditions. ClinVar contains an entry for this variant (Variation ID: 1347643). Invitae Evidence Modeling of protein sequence and biophysical properties (such as structural, functional, and spatial information, amino acid conservation, physicochemical variation, residue mobility, and thermodynamic stability) has been performed for this missense variant. However, the output from this modeling did not meet the statistical confidence thresholds required to predict the impact of this variant on MYLK protein function. In summary, the available evidence is currently insufficient to determine the role of this variant in disease. Therefore, it has been classified as a Variant of Uncertain Significance.